The following is an entry in ClinVar:

ClinVar aggregate classification (germline): Uncertain significance (1 of 4 stars; one submission).

Submission:

Labcorp Genetics (formerly Invitae), Labcorp
Classification: Uncertain significance. Last evaluated: 2022-06-22. Review status: criteria provided, single submitter. Criteria: Invitae Variant Classification Sherloc (09022015). Collection method: clinical testing. Allele origin: germline.
Comment: This sequence change replaces aspartic acid, which is acidic and polar, with glutamic acid, which is acidic and polar, at codon 1667 of the MYO18B protein (p.Asp1667Glu). This variant is not present in population databases (gnomAD no frequency). This variant has not been reported in the literature in individuals affected with MYO18B-related conditions. Algorithms developed to predict the effect of missense changes on protein structure and function output the following: SIFT: "Not Available"; PolyPhen-2: "Benign"; Align-GVGD: "Not Available". The glutamic acid amino acid residue is found in multiple mammalian species, which suggests that this missense change does not adversely affect protein function. In summary, the available evidence is currently insufficient to determine the role of this variant in disease. Therefore, it has been classified as a Variant of Uncertain Significance.

NM_032608.7(MYO18B):c.5001C>G (p.Asp1667Glu)

Gene: MYO18B (myosin XVIIIB; plus strand). Cytogenetic location: 22q12.1.
Variant type: single nucleotide variant.
Coding change: c.5001C>G on transcript NM_032608.7 (MANE Select); coding-DNA position 5001, C replaced by G.
Protein change: p.Asp1667Glu; replaces aspartic acid 1667 with glutamic acid.
Molecular consequence: missense variant.
Genome position (GRCh38, 1-based): chr22:25,903,684, C>G. VCF-style: chr22-25903684-C-G. GRCh37 (hg19) VCF-style: chr22-26299651-C-G.
Other names: c.5004C>G, p.Asp1668Glu (NM_001318245.2); short protein forms D1667E, D1668E.
Identifiers: ClinVar variation 1999038 (VCV001999038.1), dbSNP rs2517867285, ClinGen allele CA411013409.